The following is an entry in ClinVar:

ClinVar aggregate classification (germline): Uncertain significance. Review status: criteria provided, multiple submitters, no conflicts (2 of 4 stars). 3 submissions from 3 submitters: Uncertain significance (3). Last evaluated 2025-12-21.

Conditions:
Left ventricular noncompaction 1 (LVNC1). Also called: LEFT VENTRICULAR NONCOMPACTION 1 WITH OR WITHOUT CONGENITAL HEART DEFECTS. Identifiers: Orphanet 54260, MedGen C1858725, MONDO:0011403, OMIM 604169.

Allele frequency attached by ClinVar (database versions not stated): gnomAD exomes below 0.00001 and 0.00001; TOPMed below 0.00001; ExAC 0.00001.
gnomAD v4.1: 6 of 1,613,996 alleles (0.00037%); highest among the groups gnomAD compares: African/African-American, 0.0013%; no homozygotes.

Submissions (3):

Labcorp Genetics (formerly Invitae), Labcorp
Classification: Uncertain significance for Left ventricular noncompaction 1. Last evaluated: 2025-12-21. Review status: criteria provided, single submitter. Criteria: Invitae Variant Classification Sherloc (09022015). Collection method: clinical testing. Allele origin: germline.
Comment: This sequence change replaces asparagine, which is neutral and polar, with serine, which is neutral and polar, at codon 511 of the DTNA protein (p.Asn511Ser). This variant is present in population databases (rs770486884, gnomAD 0.002%). This variant has not been reported in the literature in individuals affected with DTNA-related conditions. ClinVar contains an entry for this variant (Variation ID: 426537). An algorithm developed to predict the effect of missense changes on protein structure and function (PolyPhen-2) suggests that this variant is likely to be disruptive. In summary, the available evidence is currently insufficient to determine the role of this variant in disease. Therefore, it has been classified as a Variant of Uncertain Significance.

GeneDx
Classification: Uncertain significance. Last evaluated: 2019-04-30. Review status: criteria provided, single submitter. Criteria: GeneDx Variant Classification Process June 2021. Collection method: clinical testing. Allele origin: germline. Affected: yes.
Comment: Has not been previously published as pathogenic or benign to our knowledge; Not observed at a significant frequency in large population cohorts (Lek et al., 2016); In silico analysis, which includes protein predictors and evolutionary conservation, supports a deleterious effect

Stanford Center for Inherited Cardiovascular Disease, Stanford University
Classification: Uncertain significance. Last evaluated: 2017-08-16. Review status: criteria provided, single submitter. Criteria: ACMG Guidelines, 2015. Collection method: provider interpretation. Allele origin: germline.

NM_001386795.1(DTNA):c.1613A>G (p.Asn538Ser)

Gene: DTNA (dystrobrevin alpha; plus strand). Cytogenetic location: 18q12.1.
Variant type: single nucleotide variant.
Coding change: c.1613A>G on transcript NM_001386795.1 (MANE Select); coding-DNA position 1613, A replaced by G.
Protein change: p.Asn538Ser; replaces asparagine 538 with serine.
Molecular consequence: missense variant.
Genome position (GRCh38, 1-based): chr18:34,858,365, A>G. VCF-style: chr18-34858365-A-G. GRCh37 (hg19) VCF-style: chr18-32438329-A-G.
Other names: c.1352A>G, p.Asn451Ser (NM_001198939.2, NM_001198940.2, NM_001198941.2 and 9 more transcripts); c.659A>G, p.Asn220Ser (NM_001198942.1); c.602A>G, p.Asn201Ser (NM_001198943.1); c.488A>G, p.Asn163Ser (NM_001198944.1); c.782A>G, p.Asn261Ser (NM_001198945.2); c.1442A>G, p.Asn481Ser (NM_001386754.1, NM_001386770.1, NM_001386755.1 and 4 more transcripts); c.1349A>G, p.Asn450Ser (NM_001386768.1, NM_001386769.1, NM_001386773.1 and 1 more transcripts); c.1613A>G, p.Asn538Ser (NM_001386788.1); and 7 more; short protein forms N454S, N508S, N511S, N159S, N163S, N220S, N133S, N451S.
Identifiers: ClinVar variation 426537 (VCV000426537.6), dbSNP rs770486884, ClinGen allele CA8935768.